The following is an entry in ClinVar:

NM_001005273.3(CHD3):c.2745G>T (p.Leu915Phe)

Gene: CHD3 (chromodomain helicase DNA binding protein 3; plus strand). Cytogenetic location: 17p13.1.
Variant type: single nucleotide variant.
Coding change: c.2745G>T on transcript NM_001005273.3 (MANE Select); coding-DNA position 2745, G replaced by T.
Protein change: p.Leu915Phe; replaces leucine 915 with phenylalanine.
Molecular consequence: missense variant.
Genome position (GRCh38, 1-based): chr17:7,900,352, G>T. VCF-style: chr17-7900352-G-T. GRCh37 (hg19) VCF-style: chr17-7803670-G-T.
Other names: c.2922G>T, p.Leu974Phe (NM_001005271.3); c.2745G>T, p.Leu915Phe (NM_005852.4); short protein forms L915F, L974F.
Identifiers: ClinVar variation 549730 (VCV000549730.6), dbSNP rs1567855669, ClinGen allele CA397940231.

ClinVar aggregate classification (germline): Pathogenic. Review status: criteria provided, single submitter (1 of 4 stars). 4 submissions from 4 submitters: Pathogenic (1). 3 of the submissions do not count toward it. Last evaluated 2019-02-19.

Conditions:
Snijders Blok-Campeau syndrome. Also called: INTELLECTUAL DEVELOPMENTAL DISORDER WITH MACROCEPHALY, SPEECH DELAY, AND DYSMORPHIC FACIES. Identifiers: Orphanet 599082, MedGen C4748701, MONDO:0032600, OMIM 618205.
Intellectual disability. Also called: Intellectual functioning disability; intellectual disabilities; Intellectual developmental disorder. Identifiers: MedGen C3714756, MeSH D008607, MONDO:0001071, HP:0001249.

Submissions (4):

SIB Swiss Institute of Bioinformatics
Classification: Pathogenic for Snijders Blok-Campeau syndrome. Last evaluated: 2019-02-19. Review status: criteria provided, single submitter. Criteria: ACMG Guidelines, 2015. Collection method: curation. Allele origin: unknown.
Comment: This variant is interpreted as a Pathogenic for Snijders Blok-Campeau syndrome, autosomal dominant The following ACMG Tag(s) were applied: PM2 : Absent from controls (or at extremely low frequency if recessive) in Exome Sequencing Project, 1000 Genomes Project, or Exome Aggregation Consortium. PP3 : Multiple lines of computational evidence support a deleterious effect on the gene or gene product. PM6 : Assumed de novo, but without confirmation of paternity and maternity (PMID:30397230). PM1-supporting : PM1 downgraded in strength to Supporting. PP2 : Missense variant in a gene that has a low rate of benign missense variation and in which missense variants are a common mechanism of disease. PS3 : Well-established functional studies show a deleterious effect (PMID:30397230).

OMIM
Classification: Pathogenic for SNIJDERS BLOK-CAMPEAU SYNDROME. Last evaluated: 2023-05-12. Review status: no assertion criteria provided. Collection method: literature only. Allele origin: germline. Not counted in ClinVar's aggregate classification.

Solve-RD Consortium
Classification: Likely pathogenic for Snijders Blok-Campeau syndrome. Last evaluated: 2022-06-01. Review status: no assertion criteria provided. Collection method: provider interpretation. Allele origin: inherited. Affected: yes. Not counted in ClinVar's aggregate classification.
Comment: Variant confirmed as disease-causing by referring clinical team

Variant identified during reanalysis of unsolved cases by the Solve-RD project. The Solve-RD project has received funding from the European Union’s Horizon 2020 research and innovation programme under grant agreement No 779257.

CHU Sainte-Justine Research Center, University of Montreal
Classification: Likely pathogenic for Intellectual disability. Last evaluated: 2018-05-03. Review status: no assertion criteria provided. Collection method: research. Allele origin: germline. Affected: yes. Not counted in ClinVar's aggregate classification.

Literature cited by the submitters: PubMed 30397230 (cited by SIB Swiss Institute of Bioinformatics and OMIM); PubMed 39825153 (cited by Solve-RD Consortium).